The following is an entry in ClinVar:

NM_002381.5(MATN3):c.174C>G (p.Asp58Glu)

Gene: MATN3 (matrilin 3; minus strand). Cytogenetic location: 2p24.1.
Variant type: single nucleotide variant.
Coding change: c.174C>G on transcript NM_002381.5 (MANE Select); coding-DNA position 174, C replaced by G.
Protein change: p.Asp58Glu; replaces aspartic acid 58 with glutamic acid.
Molecular consequence: missense variant.
Genome position (GRCh38, 1-based): chr2:20,012,458, G>C on the plus strand (C>G on the coding strand, the complement: MATN3 is on the minus strand). VCF-style: chr2-20012458-G-C. GRCh37 (hg19) VCF-style: chr2-20212219-G-C.
Other names: short protein forms D58E.
Identifiers: ClinVar variation 1719271 (VCV001719271.5), dbSNP rs972108467, ClinGen allele CA345951648.

ClinVar aggregate classification (germline): Uncertain significance (1 of 4 stars; one submission).

gnomAD v4.1: 1 of 1,229,264 alleles (0.000081%); highest among the groups gnomAD compares: African/African-American, 0.0016%; no homozygotes.

Submission:

Labcorp Genetics (formerly Invitae), Labcorp
Classification: Uncertain significance. Last evaluated: 2022-09-12. Review status: criteria provided, single submitter. Criteria: Invitae Variant Classification Sherloc (09022015). Collection method: clinical testing. Allele origin: germline.
Comment: This variant is not present in population databases (gnomAD no frequency). This variant has not been reported in the literature in individuals affected with MATN3-related conditions. Algorithms developed to predict the effect of missense changes on protein structure and function (SIFT, PolyPhen-2, Align-GVGD) all suggest that this variant is likely to be tolerated. In summary, the available evidence is currently insufficient to determine the role of this variant in disease. Therefore, it has been classified as a Variant of Uncertain Significance. This sequence change replaces aspartic acid, which is acidic and polar, with glutamic acid, which is acidic and polar, at codon 58 of the MATN3 protein (p.Asp58Glu).